The following is an entry in ClinVar:

NM_001927.4(DES):c.1023+1G>A

Gene: DES (desmin; plus strand). Cytogenetic location: 2q35.
Variant type: single nucleotide variant.
Coding change: c.1023+1G>A on transcript NM_001927.4 (MANE Select); the canonical splice donor site of the intron after coding-DNA position 1023, G replaced by A.
Molecular consequence: splice donor variant. On other transcripts: intron variant (1).
Genome position (GRCh38, 1-based): chr2:219,420,954, G>A. VCF-style: chr2-219420954-G-A. GRCh37 (hg19) VCF-style: chr2-220285676-G-A.
Other names: c.1023+1G>A (NM_001382712.1, NM_001382711.1, NM_001382710.1); c.736-530G>A (NM_001382709.1); c.1020+1G>A (NM_001382708.1); c.753+1G>A (NM_001382713.1).
Identifiers: ClinVar variation 4011012 (VCV004011012.1).

ClinVar aggregate classification (germline): Uncertain significance (1 of 4 stars; one submission).

Conditions:
Cardiovascular phenotype. Identifiers: MedGen CN230736.

gnomAD v4.1: 5 of 1,612,810 alleles (0.00031%); highest among the groups gnomAD compares: East Asian, 0.0022%; no homozygotes.

Submission:

Ambry Genetics
Classification: Uncertain significance for Cardiovascular phenotype. Last evaluated: 2025-04-22. Review status: criteria provided, single submitter. Criteria: Ambry Variant Classification Scheme 2023. Collection method: clinical testing. Allele origin: germline.
Comment: The c.1023+1G>A intronic variant results from a G to A substitution one nucleotide after coding exon 5 of the DES gene. Alterations that disrupt the canonical splice site are expected to result in aberrant splicing. In silico splice site analysis predicts that this alteration will weaken the native splice donor site. A resulting transcript is predicted to be in-frame and is not expected to trigger nonsense-mediated mRNAdecay; although, direct evidence is unavailable. This nucleotide position is highly conserved in available vertebrate species. Based on the available evidence, the clinical significance of this variant remains unclear.